The following is an entry in ClinVar:

NM_000256.3(MYBPC3):c.3642G>T (p.Trp1214Cys)

Gene: MYBPC3 (myosin binding protein C3; minus strand). Cytogenetic location: 11p11.2.
Variant type: single nucleotide variant.
Coding change: c.3642G>T on transcript NM_000256.3 (MANE Select); coding-DNA position 3642, G replaced by T.
Protein change: p.Trp1214Cys; replaces tryptophan 1214 with cysteine.
Molecular consequence: missense variant.
Genome position (GRCh38, 1-based): chr11:47,332,244, C>A on the plus strand (G>T on the coding strand, the complement: MYBPC3 is on the minus strand). VCF-style: chr11-47332244-C-A. GRCh37 (hg19) VCF-style: chr11-47353795-C-A.
Other names: c.3642G>T, p.Trp1214Cys (LRG_386t1); short protein forms W1214C.
Identifiers: ClinVar variation 492980 (VCV000492980.2), dbSNP rs368765949, ClinGen allele CA380311893.

ClinVar aggregate classification (germline): Uncertain significance (1 of 4 stars; one submission).

Conditions:
Hypertrophic cardiomyopathy 1 (CMH1). Also called: MYH7-Related Familial Hypertrophic Cardiomyopathy; Familial hypertrophic cardiomyopathy 1. Identifiers: MedGen C3495498, MONDO:0008647, OMIM 192600.

Submission:

Agnes Ginges Centre for Molecular Cardiology, Centenary Institute
Classification: Uncertain significance for Hypertrophic cardiomyopathy 1. Last evaluated: 2017-03-09. Review status: criteria provided, single submitter. Criteria: Agnes Ginges Centre for Molecular Cardiology criteria (2015). Collection method: research. Allele origin: germline. Inheritance: Autosomal dominant inheritance. Affected: yes.
Comment: This variant is absent the 1000 genomes project, as well as the Exome Aggregation Consortium dataset. In silico tools SIFT, MutationTaster, PolyPhen-HCM and PolyPhen-2 predict that is variant to be deleterious. Additional evidence is required to further elucidate the role of this variant in disease or as a normal variation. In summary, based on this information we classify MYBPC3 Trp1214Cys as a variant of "uncertain significance".

Literature cited by the submitters: PubMed 21959974.